The following is an entry in ClinVar:

ClinVar aggregate classification (germline): Uncertain significance (0 of 4 stars; one submission).

Conditions:
CC2D2A-related disorder. Also called: CC2D2A-related disorders; CC2D2A-related condition. Identifiers: MedGen CN239313.

Allele frequency attached by ClinVar (database versions not stated): gnomAD exomes below 0.00001.
gnomAD v4.1: 1 of 1,547,366 alleles (0.000065%); highest among the groups gnomAD compares: Non-Finnish European, 0.000087%; no homozygotes.

Submission:

PreventionGenetics, part of Exact Sciences
Classification: Uncertain significance for CC2D2A-related condition. Last evaluated: 2024-02-02. Review status: no assertion criteria provided. Collection method: clinical testing. Allele origin: germline.
Comment: The CC2D2A c.686A>G variant is predicted to result in the amino acid substitution p.Glu229Gly. To our knowledge, this variant has not been reported in the literature or in a large population database, indicating this variant is rare. At this time, the clinical significance of this variant is uncertain due to the absence of conclusive functional and genetic evidence.

NM_001378615.1(CC2D2A):c.686A>G (p.Glu229Gly)

Genes: CC2D2A (coiled-coil and C2 domain containing 2A; plus strand), FBXL5 (F-box and leucine rich repeat protein 5; minus strand). Cytogenetic location: 4p15.32.
Variant type: single nucleotide variant.
Coding change: c.686A>G on transcript NM_001378615.1 (MANE Select); coding-DNA position 686, A replaced by G.
Protein change: p.Glu229Gly; replaces glutamic acid 229 with glycine.
Molecular consequence: missense variant.
Genome position (GRCh38, 1-based): chr4:15,511,392, A>G. VCF-style: chr4-15511392-A-G. GRCh37 (hg19) VCF-style: chr4-15513015-A-G.
Other names: c.686A>G, p.Glu229Gly (NM_001080522.2); c.539A>G, p.Glu180Gly (NM_001378617.1); short protein forms E180G, E229G.
Identifiers: ClinVar variation 3061384 (VCV003061384.2), dbSNP rs2474912373, ClinGen allele CA356409039.